The following is an entry in ClinVar:

NM_001276270.2(MBD4):c.973T>C (p.Ser325Pro)

Gene: MBD4 (methyl-CpG binding domain 4, DNA glycosylase; minus strand). Cytogenetic location: 3q21.3.
Variant type: single nucleotide variant.
Coding change: c.973T>C on transcript NM_001276270.2 (MANE Select); coding-DNA position 973, T replaced by C.
Protein change: p.Ser325Pro; replaces serine 325 with proline.
Molecular consequence: missense variant. On other transcripts: intron variant (1).
Genome position (GRCh38, 1-based): chr3:129,436,671, A>G on the plus strand (T>C on the coding strand, the complement: MBD4 is on the minus strand). VCF-style: chr3-129436671-A-G. GRCh37 (hg19) VCF-style: chr3-129155514-A-G.
Other names: c.973T>C, p.Ser325Pro (NM_001276271.2, NM_001276272.2, NM_003925.3); c.247+1137T>C (NM_001276273.2); short protein forms S325P.
Identifiers: ClinVar variation 4624390 (VCV004624390.1).
Genomic context (GRCh38, chr3:129,436,671, plus strand): 5'-TGTGTTCTGAGTCTTTGGCTGAACAAAATTTGTTTATGATGCCAGAAGTTTTTTGTTCAG[A>G]ACAAAAATTTGATCCTGAACTCAATGATCTTTCTTTTTTTTTTACAAGGCTGTTTTCTTC-3'
Protein context (NP_001263199.1, residues 315-335): RSLSSGSNFC[Ser325Pro]EQKTSGIINK

ClinVar aggregate classification (germline): Uncertain significance (1 of 4 stars; one submission).

Conditions:
Inborn genetic diseases. Identifiers: MedGen C0950123, MeSH D030342.

Submission:

Ambry Genetics
Classification: Uncertain significance for Inborn genetic diseases. Last evaluated: 2025-09-29. Review status: criteria provided, single submitter. Criteria: Ambry Variant Classification Scheme 2023. Collection method: clinical testing. Allele origin: germline.
Comment: The p.S325P variant (also known as c.973T>C), located in coding exon 3 of the MBD4 gene, results from a T to C substitution at nucleotide position 973. The serine at codon 325 is replaced by proline, an amino acid with similar properties. This amino acid position is conserved. In addition, this alteration is predicted to be tolerated by in silico analysis. Based on the available evidence, the clinical significance of this variant remains unclear.